The following is an entry in ClinVar:

ClinVar aggregate classification (germline): Likely benign (1 of 4 stars; one submission).

Submission:

CeGaT Center for Human Genetics Tuebingen
Classification: Likely benign. Last evaluated: 2025-07-01. Review status: criteria provided, single submitter. Criteria: CeGaT Center For Human Genetics Tuebingen Variant Classification Criteria Version 2. Collection method: clinical testing. Allele origin: germline. Affected: yes. Observed: 1 variant allele.
Comment: CACNA1G: PM2:Supporting, BP4, BP7

NM_018896.5(CACNA1G):c.4875G>A (p.Val1625=)

Gene: CACNA1G (calcium voltage-gated channel subunit alpha1 G; plus strand). Cytogenetic location: 17q21.33.
Variant type: single nucleotide variant.
Coding change: c.4875G>A on transcript NM_018896.5 (MANE Select); coding-DNA position 4875, G replaced by A.
Protein change: p.Val1625=; no amino-acid change (valine 1625 retained).
Molecular consequence: synonymous variant. On other transcripts: non-coding transcript variant (5).
Genome position (GRCh38, 1-based): chr17:50,615,476, G>A. VCF-style: chr17-50615476-G-A. GRCh37 (hg19) VCF-style: chr17-48692837-G-A.
Other names: c.4821G>A, p.Val1607= (NM_001256324.2, NM_001256328.2, NM_198386.3); c.4896G>A, p.Val1632= (NM_001256325.2); c.4740G>A, p.Val1580= (NM_001256326.2, NM_001256330.2); c.4875G>A, p.Val1625= (NM_001256327.2, NM_001256333.2, NM_198384.3 and 1 more transcripts); c.4773G>A, p.Val1591= (NM_001256329.2, NM_198376.3, NM_198379.3 and 2 more transcripts); c.4719G>A, p.Val1573= (NM_001256331.2); c.4704G>A, p.Val1568= (NM_001256332.2); c.4842G>A, p.Val1614= (NM_001256334.2, NM_198377.3, NM_198378.3 and 1 more transcripts); and 5 more.
Identifiers: ClinVar variation 4085369 (VCV004085369.8).
Genomic context (GRCh38, chr17:50,615,476, plus strand): 5'-CCACTTGTGCACCAGCCACTACCTGGACCTCTTCATCACAGGTGTCATCGGGCTGAACGT[G>A]GTCACCATGGCCATGGAGCACTACCAGCAGCCCCAGGTAGGAGCGAGTGGACCAGCCATC-3'
Protein context (NP_061496.2, residues 1615-1635): LFITGVIGLN[Val1625=]VTMAMEHYQQ